The following is an entry in ClinVar:

ClinVar aggregate classification (germline): Benign (0 of 4 stars; one submission).

Conditions:
DNHD1-related disorder. Also called: DNHD1-related condition.

Allele frequency attached by ClinVar (database versions not stated): ExAC 0.03093; 1000 Genomes Project 0.05112; 1000 Genomes Project 30x 0.05512; TOPMed 0.06001; ESP Exome Variant Server 0.06110.
gnomAD v4.1: 35,278 of 1,551,448 alleles (2.3%); highest among the groups gnomAD compares: African/African-American, 15%; 1,142 homozygotes.

Submission:

PreventionGenetics, part of Exact Sciences
Classification: Benign for DNHD1-related condition. Last evaluated: 2020-01-02. Review status: no assertion criteria provided. Collection method: clinical testing. Allele origin: germline.
Comment: This variant is classified as benign based on ACMG/AMP sequence variant interpretation guidelines (Richards et al. 2015 PMID: 25741868, with internal and published modifications).

NM_144666.3(DNHD1):c.5688G>C (p.Lys1896Asn)

Gene: DNHD1 (dynein heavy chain domain 1; plus strand). Cytogenetic location: 11p15.4.
Variant type: single nucleotide variant.
Coding change: c.5688G>C on transcript NM_144666.3 (MANE Select); coding-DNA position 5688, G replaced by C.
Protein change: p.Lys1896Asn; replaces lysine 1896 with asparagine.
Molecular consequence: missense variant.
Genome position (GRCh38, 1-based): chr11:6,546,627, G>C. VCF-style: chr11-6546627-G-C. GRCh37 (hg19) VCF-style: chr11-6567857-G-C.
Other names: short protein forms K1896N.
Identifiers: ClinVar variation 3038060 (VCV003038060.2), dbSNP rs16915277, ClinGen allele CA5856068.